The following is an entry in ClinVar:

ClinVar aggregate classification (germline): Pathogenic. Review status: criteria provided, single submitter (1 of 4 stars). 2 submissions from 2 submitters: Pathogenic (1). 1 of the submissions does not count toward it. Last evaluated 2023-04-12.

Conditions:
LRP6-related disorder. Also called: LRP6-related condition.
Coronary artery disease, autosomal dominant 2 (ADCAD2). Identifiers: MedGen C1970440, MONDO:0012586, OMIM 610947.

Allele frequency attached by ClinVar (database versions not stated): ExAC 0.00002; gnomAD exomes 0.00002.
gnomAD v4.1: 31 of 1,614,134 alleles (0.0019%); highest among the groups gnomAD compares: Admixed American, 0.005%; no homozygotes.

Submissions (2):

PreventionGenetics, part of Exact Sciences
Classification: Pathogenic for LRP6-related condition. Last evaluated: 2023-04-12. Review status: criteria provided, single submitter. Criteria: ACMG Guidelines, 2015. Collection method: clinical testing. Allele origin: germline.
Comment: The LRP6 c.1831C>T variant is predicted to result in the amino acid substitution p.Arg611Cys. This variant has been reported in the heterozygous state in multiple individuals from two separate families with early-onset coronary artery disease with some also having metabolic risk factors (Mani et al 2007. PubMed ID: 17332414; Guo et al. 2016. PubMed ID: 27455246). Of note, in one of the families noted above this variant was reported in the homozygous state (Mani et al 2007. PubMed ID: 17332414). Functional studies have shown that this variant impacts protein function (Liu et al. 2008. PubMed ID: 18948618; Keramati et al. 2011. PubMed ID: 21245321; Guo et al. 2016. PubMed ID: 27455246). This variant is reported in 0.0058% of alleles in individuals of Latino descent in gnomAD. This variant is interpreted as pathogenic.

OMIM
Classification: Pathogenic for CORONARY ARTERY DISEASE, AUTOSOMAL DOMINANT 2. Last evaluated: 2007-03-02. Review status: no assertion criteria provided. Collection method: literature only. Allele origin: germline. Not counted in ClinVar's aggregate classification.

Literature cited by the submitters: PubMed 17332414 (cited by OMIM).

NM_002336.3(LRP6):c.1831C>T (p.Arg611Cys)

Gene: LRP6 (LDL receptor related protein 6; minus strand). Cytogenetic location: 12p13.2.
Variant type: single nucleotide variant.
Coding change: c.1831C>T on transcript NM_002336.3 (MANE Select); coding-DNA position 1831, C replaced by T.
Protein change: p.Arg611Cys; replaces arginine 611 with cysteine.
Molecular consequence: missense variant.
Genome position (GRCh38, 1-based): chr12:12,164,494, G>A on the plus strand (C>T on the coding strand, the complement: LRP6 is on the minus strand). VCF-style: chr12-12164494-G-A. GRCh37 (hg19) VCF-style: chr12-12317428-G-A.
Other names: c.1831C>T (NM_002336.2); short protein forms R611C.
Identifiers: ClinVar variation 6267 (VCV000006267.3), dbSNP rs121918313, ClinGen allele CA118081.